The following is an entry in ClinVar:

NM_000222.3(KIT):c.1036C>T (p.Gln346Ter)

Gene: KIT (KIT proto-oncogene, receptor tyrosine kinase; plus strand). Cytogenetic location: 4q12.
Variant type: single nucleotide variant.
Coding change: c.1036C>T on transcript NM_000222.3 (MANE Select); coding-DNA position 1036, C replaced by T.
Protein change: p.Gln346Ter; replaces glutamine 346 with a stop codon.
Molecular consequence: nonsense.
Genome position (GRCh38, 1-based): chr4:54,707,208, C>T. VCF-style: chr4-54707208-C-T. GRCh37 (hg19) VCF-style: chr4-55573374-C-T.
Other names: c.1036C>T, p.Gln346Ter (NM_001093772.2, NM_001385285.1, NM_001385286.1); c.1039C>T, p.Gln347Ter (NM_001385284.1, NM_001385288.1, NM_001385290.1 and 1 more transcripts); short protein forms Q347*, Q346*.
Identifiers: ClinVar variation 3720578 (VCV003720578.2).

ClinVar aggregate classification (germline): Pathogenic (1 of 4 stars; one submission).

Conditions:
Gastrointestinal stromal tumor. Also called: Gastrointestinal stromal tumor, somatic; Gastrointestinal stroma tumor. Identifiers: Orphanet 44890, MedGen C0238198, MeSH D046152, MONDO:0011719, OMIM 606764, HP:0100723.

Submission:

Labcorp Genetics (formerly Invitae), Labcorp
Classification: Pathogenic for Gastrointestinal stromal tumor. Last evaluated: 2024-07-30. Review status: criteria provided, single submitter. Criteria: Invitae Variant Classification Sherloc (09022015). Collection method: clinical testing. Allele origin: germline.
Comment: This sequence change creates a premature translational stop signal (p.Gln346*) in the KIT gene. It is expected to result in an absent or disrupted protein product. Loss-of-function variants in KIT are known to be pathogenic (PMID: 15194144). This variant is not present in population databases (gnomAD no frequency). This premature translational stop signal has been observed in individual(s) with piebaldism (PMID: 15737214). For these reasons, this variant has been classified as Pathogenic.

Literature cited by the submitters: PubMed 15194144; PubMed 15737214.